The following is an entry in ClinVar:

NM_020708.5(SLC12A5):c.2750A>G (p.Lys917Arg)

Gene: SLC12A5 (solute carrier family 12 member 5; plus strand). Cytogenetic location: 20q13.12.
Variant type: single nucleotide variant.
Coding change: c.2750A>G on transcript NM_020708.5 (MANE Select); coding-DNA position 2750, A replaced by G.
Protein change: p.Lys917Arg; replaces lysine 917 with arginine.
Molecular consequence: missense variant.
Genome position (GRCh38, 1-based): chr20:46,054,986, A>G. VCF-style: chr20-46054986-A-G. GRCh37 (hg19) VCF-style: chr20-44683625-A-G.
Other names: c.2819A>G, p.Lys940Arg (NM_001134771.2); short protein forms K917R, K940R.
Identifiers: ClinVar variation 1046854 (VCV001046854.7), dbSNP rs2084677325, ClinGen allele CA409207182.

ClinVar aggregate classification (germline): Uncertain significance (1 of 4 stars; one submission).

Conditions:
Developmental and epileptic encephalopathy, 34 (DEE34). Also called: SLC12A5-Related Epilepsy of Infancy with Migrating Focal Seizures; Early infantile epileptic encephalopathy 34. Identifiers: Orphanet 293181, MedGen C4225257, MONDO:0014718, OMIM 616645.

Submission:

Labcorp Genetics (formerly Invitae), Labcorp
Classification: Uncertain significance for Developmental and epileptic encephalopathy, 34. Last evaluated: 2020-06-28. Review status: criteria provided, single submitter. Criteria: Invitae Variant Classification Sherloc (09022015). Collection method: clinical testing. Allele origin: germline.
Comment: In summary, the available evidence is currently insufficient to determine the role of this variant in disease. Therefore, it has been classified as a Variant of Uncertain Significance. Algorithms developed to predict the effect of missense changes on protein structure and function (SIFT, PolyPhen-2, Align-GVGD) all suggest that this variant is likely to be tolerated, but these predictions have not been confirmed by published functional studies and their clinical significance is uncertain. This variant has not been reported in the literature in individuals with SLC12A5-related conditions. This variant is not present in population databases (ExAC no frequency). This sequence change replaces lysine with arginine at codon 917 of the SLC12A5 protein (p.Lys917Arg). The lysine residue is moderately conserved and there is a small physicochemical difference between lysine and arginine.